The following is an entry in ClinVar:

NM_001081550.2(THOC2):c.3113G>A (p.Arg1038Gln)

Gene: THOC2 (THO complex subunit 2; minus strand). Cytogenetic location: Xq25.
Variant type: single nucleotide variant.
Coding change: c.3113G>A on transcript NM_001081550.2 (MANE Select); coding-DNA position 3113, G replaced by A.
Protein change: p.Arg1038Gln; replaces arginine 1038 with glutamine.
Molecular consequence: missense variant.
Genome position (GRCh38, 1-based): chrX:123,624,614, C>T on the plus strand (G>A on the coding strand, the complement: THOC2 is on the minus strand). VCF-style: chrX-123624614-C-T. GRCh37 (hg19) VCF-style: chrX-122758465-C-T.
Other names: short protein forms R1038Q.
Identifiers: ClinVar variation 2413107 (VCV002413107.3), dbSNP rs2521010794, ClinGen allele CA414265222.

ClinVar aggregate classification (germline): Uncertain significance (1 of 4 stars; one submission).

Submission:

GeneDx
Classification: Uncertain significance. Last evaluated: 2022-07-28. Review status: criteria provided, single submitter. Criteria: GeneDx Variant Classification Process June 2021. Collection method: clinical testing. Allele origin: germline. Affected: yes.
Comment: Not observed at significant frequency in large population cohorts (gnomAD); In silico analysis supports that this missense variant has a deleterious effect on protein structure/function; Has not been previously published as pathogenic or benign to our knowledge